The following is an entry in ClinVar:

ClinVar aggregate classification (germline): Likely pathogenic. Review status: criteria provided, multiple submitters, no conflicts (2 of 4 stars). 2 submissions from 2 submitters: Likely pathogenic (2). Last evaluated 2021-04-12.

Conditions:
Beta-D-mannosidosis (MANSB). Also called: MANNOSIDOSIS, BETA A, LYSOSOMAL; BETA-MANNOSIDASE DEFICIENCY; Beta-Mannosidosis; LYSOSOMAL BETA-MANNOSIDASE DEFICIENCY. Identifiers: Orphanet 118, MedGen C4048196, MONDO:0009562, OMIM 248510.

Submissions (2):

Department of Otolaryngology – Head & Neck Surgery, Cochlear Implant Center
Classification: Likely pathogenic for Beta-D-mannosidosis. Last evaluated: 2021-04-12. Review status: criteria provided, single submitter. Criteria: ClinGen HL ACMG Specifications v1. Collection method: clinical testing. Allele origin: germline. Affected: yes.
Comment: PVS1_Strong, PM2_Moderate

CeGaT Center for Human Genetics Tuebingen
Classification: Likely pathogenic. Last evaluated: 2017-05-01. Review status: criteria provided, single submitter. Criteria: CeGaT Center For Human Genetics Tuebingen Variant Classification Criteria Version 2. Collection method: clinical testing. Allele origin: germline. Affected: yes. Observed: 1 variant allele.

NM_005908.4(MANBA):c.1236G>A (p.Trp412Ter)

Gene: MANBA (mannosidase beta; minus strand). Cytogenetic location: 4q24.
Variant type: single nucleotide variant.
Coding change: c.1236G>A on transcript NM_005908.4 (MANE Select); coding-DNA position 1236, G replaced by A.
Protein change: p.Trp412Ter; replaces tryptophan 412 with a stop codon.
Molecular consequence: nonsense.
Genome position (GRCh38, 1-based): chr4:102,669,044, C>T on the plus strand (G>A on the coding strand, the complement: MANBA is on the minus strand). VCF-style: chr4-102669044-C-T. GRCh37 (hg19) VCF-style: chr4-103590201-C-T.
Other names: short protein forms W412*.
Identifiers: ClinVar variation 444636 (VCV000444636.46), dbSNP rs1553945794, ClinGen allele CA357762250.